The following is an entry in ClinVar:

NM_198252.3(GSN):c.1150G>A (p.Ala384Thr)

Gene: GSN (gelsolin; plus strand). Cytogenetic location: 9q33.2.
Variant type: single nucleotide variant.
Coding change: c.1150G>A on transcript NM_198252.3 (MANE Select); coding-DNA position 1150, G replaced by A.
Protein change: p.Ala384Thr; replaces alanine 384 with threonine.
Molecular consequence: missense variant.
Genome position (GRCh38, 1-based): chr9:121,318,839, G>A. VCF-style: chr9-121318839-G-A. GRCh37 (hg19) VCF-style: chr9-124081117-G-A.
Other names: c.1303G>A, p.Ala435Thr (NM_000177.5); c.1150G>A, p.Ala384Thr (NM_001127662.2, NM_001127664.2, NM_001127665.2 and 10 more transcripts); c.1258G>A, p.Ala420Thr (NM_001127663.2); c.1183G>A, p.Ala395Thr (NM_001127666.2, NM_001127667.2, NM_001353066.2 and 13 more transcripts); c.1201G>A, p.Ala401Thr (NM_001258029.2); c.1174G>A, p.Ala392Thr (NM_001258030.2); c.1222G>A, p.Ala408Thr (NM_001353076.2); c.496G>A, p.Ala166Thr (NM_001353078.2); short protein forms A384T, A392T, A395T, A401T, A420T, A435T, A166T, A408T.
Identifiers: ClinVar variation 2089211 (VCV002089211.4), dbSNP rs2062029290, ClinGen allele CA374747779.

ClinVar aggregate classification (germline): Uncertain significance (1 of 4 stars; one submission).

Allele frequency attached by ClinVar (database versions not stated): gnomAD exomes below 0.00001; TOPMed below 0.00001.
gnomAD v4.1: 1 of 1,614,050 alleles (0.000062%); highest among the groups gnomAD compares: Non-Finnish European, 0.000085%; no homozygotes.

Submission:

Labcorp Genetics (formerly Invitae), Labcorp
Classification: Uncertain significance. Last evaluated: 2022-10-07. Review status: criteria provided, single submitter. Criteria: Invitae Variant Classification Sherloc (09022015). Collection method: clinical testing. Allele origin: germline.
Comment: This sequence change replaces alanine, which is neutral and non-polar, with threonine, which is neutral and polar, at codon 435 of the GSN protein (p.Ala435Thr). In summary, the available evidence is currently insufficient to determine the role of this variant in disease. Therefore, it has been classified as a Variant of Uncertain Significance. Advanced modeling of protein sequence and biophysical properties (such as structural, functional, and spatial information, amino acid conservation, physicochemical variation, residue mobility, and thermodynamic stability) performed at Invitae indicates that this missense variant is expected to disrupt GSN protein function. This variant has not been reported in the literature in individuals affected with GSN-related conditions. This variant is not present in population databases (gnomAD no frequency).